The following is an entry in ClinVar:

NM_014244.5(ADAMTS2):c.*816C>T

Gene: ADAMTS2 (ADAM metallopeptidase with thrombospondin type 1 motif 2; minus strand). Cytogenetic location: 5q35.3.
Variant type: single nucleotide variant.
Coding change: c.*816C>T on transcript NM_014244.5 (MANE Select); 816 bases downstream of the stop codon, C replaced by T.
Molecular consequence: 3 prime UTR variant.
Genome position (GRCh38, 1-based): chr5:179,113,051, G>A on the plus strand (C>T on the coding strand, the complement: ADAMTS2 is on the minus strand). VCF-style: chr5-179113051-G-A. GRCh37 (hg19) VCF-style: chr5-178540052-G-A.
Identifiers: ClinVar variation 353074 (VCV000353074.5), dbSNP rs116130524, ClinGen allele CA10620188.

ClinVar aggregate classification (germline): Likely benign (1 of 4 stars; one submission).

Conditions:
Ehlers-Danlos syndrome, dermatosparaxis type. Also called: EDS VIIC; Dermatosparaxis; Ehlers-Danlos syndrome, type VII, autosomal recessive. Identifiers: Orphanet 1901, MedGen C2700425, MONDO:0009161, OMIM 225410.

Allele frequency attached by ClinVar (database versions not stated): 1000 Genomes Project 0.00539; 1000 Genomes Project 30x 0.00593; gnomAD 0.00653 and 0.00690; TOPMed 0.00663; gnomAD exomes 0.00862.
gnomAD v4.1: 993 of 152,572 alleles (0.65%); highest among the groups gnomAD compares: African/African-American, 0.98%; 2 homozygotes.

Submission:

Illumina Laboratory Services, Illumina
Classification: Likely benign for Ehlers-Danlos syndrome, dermatosparaxis type. Last evaluated: 2018-01-13. Review status: criteria provided, single submitter. Criteria: ICSL Variant Classification Criteria 13 December 2019. Collection method: clinical testing. Allele origin: germline.
Comment: This variant was observed in the ICSL laboratory as part of a predisposition screen in an ostensibly healthy population. It had not been previously curated by ICSL or reported in the Human Gene Mutation Database (HGMD: prior to June 1st, 2018), and was therefore a candidate for classification through an automated scoring system. Utilizing variant allele frequency, disease prevalence and penetrance estimates, and inheritance mode, an automated score was calculated to assess if this variant is too frequent to cause the disease. Based on the score and internal cut-off values, a variant classified as likely benign is not then subjected to further curation. The score for this variant resulted in a classification of likely benign for this disease.